The following is an entry in ClinVar:

NM_001098816.3(TENM4):c.1422C>T (p.Ala474=)

Gene: TENM4 (teneurin transmembrane protein 4; minus strand). Cytogenetic location: 11q14.1.
Variant type: single nucleotide variant.
Coding change: c.1422C>T on transcript NM_001098816.3 (MANE Select); coding-DNA position 1422, C replaced by T.
Protein change: p.Ala474=; no amino-acid change (alanine 474 retained).
Molecular consequence: synonymous variant.
Genome position (GRCh38, 1-based): chr11:78,856,012, G>A on the plus strand (C>T on the coding strand, the complement: TENM4 is on the minus strand). VCF-style: chr11-78856012-G-A. GRCh37 (hg19) VCF-style: chr11-78567057-G-A.
Identifiers: ClinVar variation 5039625 (VCV005039625.1).

ClinVar aggregate classification (germline): Likely benign (1 of 4 stars; one submission).

gnomAD v4.1: 29 of 1,551,698 alleles (0.0019%); highest among the groups gnomAD compares: African/African-American, 0.036%; no homozygotes.

Submission:

CeGaT Center for Human Genetics Tuebingen
Classification: Likely benign. Last evaluated: 2026-08-01. Review status: criteria provided, single submitter. Criteria: CeGaT Center For Human Genetics Tuebingen Variant Classification Criteria Version 2. Collection method: clinical testing. Allele origin: germline. Affected: yes. Observed: 1 variant allele.
Comment: TENM4: BP4, BP7